The following is an entry in ClinVar:

ClinVar aggregate classification (germline): Uncertain significance (1 of 4 stars; one submission).

Conditions:
Congenital sideroblastic anemia-B-cell immunodeficiency-periodic fever-developmental delay syndrome. Also called: Sideroblastic anemia with B-cell immunodeficiency, periodic fevers, and developmental delay. Identifiers: Orphanet 369861, MedGen C4015172, MONDO:0014487, OMIM 616084.

gnomAD v4.1: 2 of 1,607,274 alleles (0.00012%); highest among the groups gnomAD compares: Non-Finnish European, 0.00017%; no homozygotes.

Submission:

Labcorp Genetics (formerly Invitae), Labcorp
Classification: Uncertain significance for Congenital sideroblastic anemia-B-cell immunodeficiency-periodic fever-developmental delay syndrome. Last evaluated: 2021-09-28. Review status: criteria provided, single submitter. Criteria: Invitae Variant Classification Sherloc (09022015). Collection method: clinical testing. Allele origin: germline.
Comment: In summary, the available evidence is currently insufficient to determine the role of this variant in disease. Therefore, it has been classified as a Variant of Uncertain Significance. This sequence change affects codon 203 of the TRNT1 mRNA. It is a 'silent' change, meaning that it does not change the encoded amino acid sequence of the TRNT1 protein. This variant is not present in population databases (ExAC no frequency). This variant has not been reported in the literature in individuals with TRNT1-related conditions. Algorithms developed to predict the effect of sequence changes on RNA splicing suggest that this variant is not likely to affect RNA splicing, but this prediction has not been confirmed by published transcriptional studies.

NM_182916.3(TRNT1):c.609G>A (p.Arg203=)

Gene: TRNT1 (tRNA nucleotidyl transferase 1; plus strand). Cytogenetic location: 3p26.2.
Variant type: single nucleotide variant.
Coding change: c.609G>A on transcript NM_182916.3 (MANE Select); coding-DNA position 609, G replaced by A.
Protein change: p.Arg203=; no amino-acid change (arginine 203 retained).
Molecular consequence: synonymous variant. On other transcripts: non-coding transcript variant (6).
Genome position (GRCh38, 1-based): chr3:3,146,430, G>A. VCF-style: chr3-3146430-G-A. GRCh37 (hg19) VCF-style: chr3-3188114-G-A.
Other names: c.609G>A, p.Arg203= (NM_001302946.2, NM_001367321.1, NM_001367322.1 and 1 more transcripts).
Identifiers: ClinVar variation 955449 (VCV000955449.6), dbSNP rs1706023403, ClinGen allele CA432113589.